The following is an entry in ClinVar:

ClinVar aggregate classification (germline): Likely benign. Review status: criteria provided, multiple submitters, no conflicts (2 of 4 stars). 3 submissions from 3 submitters: Likely benign (2). 1 of the submissions does not count toward it. Last evaluated 2026-02-01.

Conditions:
PSMB4-related disorder. Also called: PSMB4-related condition.

Allele frequency attached by ClinVar (database versions not stated): gnomAD exomes 0.00005 and 0.00014; ExAC 0.00016; gnomAD 0.00046 and 0.00049; 1000 Genomes Project 30x 0.00062; ESP Exome Variant Server 0.00062; TOPMed 0.00063; 1000 Genomes Project 0.00080.
gnomAD v4.1: 162 of 1,611,254 alleles (0.01%); highest among the groups gnomAD compares: African/African-American, 0.16%; no homozygotes.

Submissions (3):

Labcorp Genetics (formerly Invitae), Labcorp
Classification: Likely benign. Last evaluated: 2026-02-01. Review status: criteria provided, single submitter. Criteria: Invitae Variant Classification Sherloc (09022015). Collection method: clinical testing. Allele origin: germline.

Blueprint Genetics
Classification: Likely benign. Last evaluated: 2024-10-09. Review status: criteria provided, single submitter. Criteria: ACMG Guidelines, 2015. Collection method: clinical testing. Allele origin: germline.

PreventionGenetics, part of Exact Sciences
Classification: Likely benign for PSMB4-related condition. Last evaluated: 2019-10-28. Review status: no assertion criteria provided. Collection method: clinical testing. Allele origin: germline. Not counted in ClinVar's aggregate classification.
Comment: This variant is classified as likely benign based on ACMG/AMP sequence variant interpretation guidelines (Richards et al. 2015 PMID: 25741868, with internal and published modifications).

NM_002796.3(PSMB4):c.705C>T (p.Ala235=)

Gene: PSMB4 (proteasome 20S subunit beta 4; plus strand). Cytogenetic location: 1q21.3.
Variant type: single nucleotide variant.
Coding change: c.705C>T on transcript NM_002796.3 (MANE Select); coding-DNA position 705, C replaced by T.
Protein change: p.Ala235=; no amino-acid change (alanine 235 retained).
Molecular consequence: synonymous variant.
Genome position (GRCh38, 1-based): chr1:151,401,553, C>T. VCF-style: chr1-151401553-C-T. GRCh37 (hg19) VCF-style: chr1-151374029-C-T.
Other names: c.705C>T (NM_002796.2).
Identifiers: ClinVar variation 1664254 (VCV001664254.11), dbSNP rs116353887, ClinGen allele CA1090776.
Genomic context (GRCh38, chr1:151,401,553, plus strand): 5'-TTTAAGGACTTAAGGCGTGGGCATTATTGAATGCTCTGCTTTCTTCCAGTTTCAAATCGC[C>T]ACTGTCACCGAAAAAGGTGTTGAAATAGAGGGACCATTGTCTACAGAGACCAACTGGGAT-3'
Protein context (NP_002787.2, residues 225-245): DARSYNRFQI[Ala235=]TVTEKGVEIE